The following is an entry in ClinVar:

ClinVar aggregate classification (germline): Uncertain significance (1 of 4 stars; one submission).

Submission:

Labcorp Genetics (formerly Invitae), Labcorp
Classification: Uncertain significance. Last evaluated: 2025-07-03. Review status: criteria provided, single submitter. Criteria: Invitae Variant Classification Sherloc (09022015). Collection method: clinical testing. Allele origin: germline.
Comment: This sequence change replaces methionine, which is neutral and non-polar, with isoleucine, which is neutral and non-polar, at codon 418 of the NR2F1 protein (p.Met418Ile). This variant is not present in population databases (gnomAD no frequency). This variant has not been reported in the literature in individuals affected with NR2F1-related conditions. Invitae Evidence Modeling of protein sequence and biophysical properties (such as structural, functional, and spatial information, amino acid conservation, physicochemical variation, residue mobility, and thermodynamic stability) indicates that this missense variant is not expected to disrupt NR2F1 protein function with a negative predictive value of 80%. In summary, the available evidence is currently insufficient to determine the role of this variant in disease. Therefore, it has been classified as a Variant of Uncertain Significance.

NM_005654.6(NR2F1):c.1254G>A (p.Met418Ile)

Gene: NR2F1 (nuclear receptor subfamily 2 group F member 1; plus strand). Cytogenetic location: 5q15.
Variant type: single nucleotide variant.
Coding change: c.1254G>A on transcript NM_005654.6 (MANE Select); coding-DNA position 1254, G replaced by A.
Protein change: p.Met418Ile; replaces methionine 418 with isoleucine.
Molecular consequence: missense variant.
Genome position (GRCh38, 1-based): chr5:93,593,824, G>A. VCF-style: chr5-93593824-G-A. GRCh37 (hg19) VCF-style: chr5-92929530-G-A.
Other names: c.804G>A, p.Met268Ile (NM_001410754.1); short protein forms M418I, M268I.
Identifiers: ClinVar variation 4709999 (VCV004709999.1).
Genomic context (GRCh38, chr5:93,593,824, plus strand): 5'-CATCGAAACTCTCATCCGCGATATGTTACTGTCTGGGAGCAGCTTCAACTGGCCTTACAT[G>A]TCCATCCAGTGCTCCTAGACCTTGGGCGCTTCCCACCTGCCCCGTCCCCCTAGAGACTCA-3'
Protein context (NP_005645.1, residues 408-423): LSGSSFNWPY[Met418Ile]SIQCS